The following is an entry in ClinVar:

ClinVar aggregate classification (germline): Likely pathogenic (1 of 4 stars; one submission).

Conditions:
TSC2-related disorder. Also called: TSC2-related condition; TSC2-Related Disorders.

Submission:

PreventionGenetics, part of Exact Sciences
Classification: Likely pathogenic for TSC2-related condition. Last evaluated: 2026-04-23. Review status: criteria provided, single submitter. Criteria: ACMG Guidelines, 2015. Collection method: clinical testing. Allele origin: germline.
Comment: The TSC2 c.4476_4477delGC variant is predicted to result in a frameshift and premature protein termination (p.Pro1493Argfs*30). To our knowledge, this variant has not been reported in the literature or in a large population database (gnomAD), indicating this variant is rare. Frameshift variants in TSC2 are expected to be pathogenic. This variant is interpreted as likely pathogenic.

NM_000548.5(TSC2):c.4476_4477del (p.Pro1493fs)

Gene: TSC2 (TSC complex subunit 2; plus strand). Cytogenetic location: 16p13.3.
Variant type: Deletion.
Coding change: c.4476_4477del on transcript NM_000548.5 (MANE Select); coding-DNA positions 4476 to 4477, 2 bases deleted (GC; older notation c.4476_4477delGC).
Protein change: p.Pro1493fs; shifts the reading frame from proline 1493.
Molecular consequence: frameshift variant. On other transcripts: non-coding transcript variant (5).
Genome position (GRCh38, 1-based): chr16:2,084,698-2,084,699, GC deleted. VCF-style (leftmost placement, unchanged base first): chr16-2084697-TGC-T. GRCh37 (hg19) VCF-style: chr16-2134698-TGC-T.
Other names: c.4275_4276del, p.Pro1426fs (NM_001077183.3); c.4407_4408del, p.Pro1470fs (NM_001114382.3); c.4167_4168del, p.Pro1390fs (NM_001318827.2); c.4131_4132del, p.Pro1378fs (NM_001318829.2); c.3744_3745del, p.Pro1249fs (NM_001318831.2); c.4308_4309del, p.Pro1437fs (NM_001318832.2); c.4278_4279del, p.Pro1427fs (NM_001363528.2); c.4344_4345del, p.Pro1449fs (NM_001370404.1); and 26 more; short protein forms P1269fs, P1273fs, P1421fs, P1422fs, P1427fs, P1433fs, P1456fs, P1467fs.
Identifiers: ClinVar variation 4995931 (VCV004995931.1).
Genomic context (GRCh38, chr16:2,084,697, plus strand): 5'-GCAAGAGAGTAGAGAGGGACGCCTTAAAGAGCAGAGCCACAGCCTCCAATGCAGAGAAAG[TGC>T]CAGGCATCAACCCCAGGTGGGCCTCTTGCTTCCGGGCGGGGCTCCTGACACCTCTCCTGC-3'